The following is an entry in ClinVar:

ClinVar aggregate classification (germline): Uncertain significance (1 of 4 stars; one submission).

Conditions:
Combined oxidative phosphorylation defect type 17. Also called: Combined oxidative phosphorylation deficiency 17. Identifiers: Orphanet 369913, MedGen C3809526, MONDO:0014190, OMIM 615440.

Allele frequency attached by ClinVar (database versions not stated): ExAC 0.00001; gnomAD 0.00002; gnomAD exomes 0.00002; TOPMed 0.00002; ESP Exome Variant Server 0.00008.
gnomAD v4.1: 25 of 1,613,662 alleles (0.0015%); highest among the groups gnomAD compares: Non-Finnish European, 0.0021%; no homozygotes.

Submission:

Labcorp Genetics (formerly Invitae), Labcorp
Classification: Uncertain significance for Combined oxidative phosphorylation defect type 17. Last evaluated: 2024-04-29. Review status: criteria provided, single submitter. Criteria: Invitae Variant Classification Sherloc (09022015). Collection method: clinical testing. Allele origin: germline.
Comment: This sequence change replaces aspartic acid, which is acidic and polar, with asparagine, which is neutral and polar, at codon 469 of the ELAC2 protein (p.Asp469Asn). This variant is present in population databases (rs372663216, gnomAD 0.002%). This variant has not been reported in the literature in individuals affected with ELAC2-related conditions. ClinVar contains an entry for this variant (Variation ID: 2145803). Advanced modeling of protein sequence and biophysical properties (such as structural, functional, and spatial information, amino acid conservation, physicochemical variation, residue mobility, and thermodynamic stability) performed at Invitae indicates that this missense variant is not expected to disrupt ELAC2 protein function with a negative predictive value of 80%. In summary, the available evidence is currently insufficient to determine the role of this variant in disease. Therefore, it has been classified as a Variant of Uncertain Significance.

NM_018127.7(ELAC2):c.1405G>A (p.Asp469Asn)

Gene: ELAC2 (elaC ribonuclease Z 2; minus strand). Cytogenetic location: 17p12.
Variant type: single nucleotide variant.
Coding change: c.1405G>A on transcript NM_018127.7 (MANE Select); coding-DNA position 1405, G replaced by A.
Protein change: p.Asp469Asn; replaces aspartic acid 469 with asparagine.
Molecular consequence: missense variant.
Genome position (GRCh38, 1-based): chr17:13,000,174, C>T on the plus strand (G>A on the coding strand, the complement: ELAC2 is on the minus strand). VCF-style: chr17-13000174-C-T. GRCh37 (hg19) VCF-style: chr17-12903491-C-T.
Other names: c.1285G>A, p.Asp429Asn (NM_001165962.2); c.1402G>A, p.Asp468Asn (NM_173717.2); short protein forms D429N, D468N, D469N.
Identifiers: ClinVar variation 2145803 (VCV002145803.2), dbSNP rs372663216, ClinGen allele CA8401221.